The following is an entry in ClinVar:

NM_000041.4(APOE):c.718G>A (p.Gly240Ser)

Gene: APOE (apolipoprotein E; plus strand). Cytogenetic location: 19q13.32.
Variant type: single nucleotide variant.
Coding change: c.718G>A on transcript NM_000041.4 (MANE Select); coding-DNA position 718, G replaced by A.
Protein change: p.Gly240Ser; replaces glycine 240 with serine.
Molecular consequence: missense variant.
Genome position (GRCh38, 1-based): chr19:44,909,014, G>A. VCF-style: chr19-44909014-G-A. GRCh37 (hg19) VCF-style: chr19-45412271-G-A.
Other names: c.796G>A, p.Gly266Ser (NM_001302688.2); c.718G>A, p.Gly240Ser (NM_001302689.2, NM_001302690.2, NM_001302691.2); short protein forms G240S, G266S.
Identifiers: ClinVar variation 3934706 (VCV003934706.1).

ClinVar aggregate classification (germline): Uncertain significance (1 of 4 stars; one submission).

Conditions:
Cardiovascular phenotype. Identifiers: MedGen CN230736.

Submission:

Ambry Genetics
Classification: Uncertain significance for Cardiovascular phenotype. Last evaluated: 2025-03-25. Review status: criteria provided, single submitter. Criteria: Ambry Variant Classification Scheme 2023. Collection method: clinical testing. Allele origin: germline.
Comment: The p.G240S variant (also known as c.718G>A), located in coding exon 3 of the APOE gene, results from a G to A substitution at nucleotide position 718. The glycine at codon 240 is replaced by serine, an amino acid with similar properties. This amino acid position is conserved. In addition, this alteration is predicted to be tolerated by in silico analysis. Based on the available evidence, the clinical significance of this variant remains unclear.